The following is an entry in ClinVar:

ClinVar aggregate classification (germline): Uncertain significance (1 of 4 stars; one submission).

Conditions:
Hypercoagulability syndrome due to glycosylphosphatidylinositol deficiency (GPIBD1). Also called: GLYCOSYLPHOSPHATIDYLINOSITOL BIOSYNTHESIS DEFECT 1. Identifiers: Orphanet 83639, MedGen C5201145, MONDO:0012465, OMIM 610293.

Allele frequency attached by ClinVar (database versions not stated): ExAC 0.00001; TOPMed 0.00003; gnomAD 0.00004; gnomAD exomes 0.00005.
gnomAD v4.1: 73 of 1,613,986 alleles (0.0045%); highest among the groups gnomAD compares: Non-Finnish European, 0.0058%; no homozygotes.

Submission:

Labcorp Genetics (formerly Invitae), Labcorp
Classification: Uncertain significance for Hypercoagulability syndrome due to glycosylphosphatidylinositol deficiency. Last evaluated: 2022-12-31. Review status: criteria provided, single submitter. Criteria: Invitae Variant Classification Sherloc (09022015). Collection method: clinical testing. Allele origin: germline.
Comment: This sequence change replaces serine, which is neutral and polar, with alanine, which is neutral and non-polar, at codon 152 of the PIGM protein (p.Ser152Ala). This variant is present in population databases (rs754247003, gnomAD 0.007%). This variant has not been reported in the literature in individuals affected with PIGM-related conditions. Advanced modeling of protein sequence and biophysical properties (such as structural, functional, and spatial information, amino acid conservation, physicochemical variation, residue mobility, and thermodynamic stability) performed at Invitae indicates that this missense variant is not expected to disrupt PIGM protein function. In summary, the available evidence is currently insufficient to determine the role of this variant in disease. Therefore, it has been classified as a Variant of Uncertain Significance.

NM_145167.3(PIGM):c.454T>G (p.Ser152Ala)

Gene: PIGM (phosphatidylinositol glycan anchor biosynthesis class M; minus strand). Cytogenetic location: 1q23.2.
Variant type: single nucleotide variant.
Coding change: c.454T>G on transcript NM_145167.3 (MANE Select); coding-DNA position 454, T replaced by G.
Protein change: p.Ser152Ala; replaces serine 152 with alanine.
Molecular consequence: missense variant.
Genome position (GRCh38, 1-based): chr1:160,031,286, A>C on the plus strand (T>G on the coding strand, the complement: PIGM is on the minus strand). VCF-style: chr1-160031286-A-C. GRCh37 (hg19) VCF-style: chr1-160001076-A-C.
Other names: short protein forms S152A.
Identifiers: ClinVar variation 2907881 (VCV002907881.3), dbSNP rs754247003, ClinGen allele CA1193036.